The following is an entry in ClinVar:

ClinVar aggregate classification (germline): Conflicting classifications of pathogenicity. Review status: criteria provided, conflicting classifications (1 of 4 stars). 3 submissions from 3 submitters: Likely pathogenic (2); Uncertain significance (1). Last evaluated 2024-02-22.

Conditions:
Cognitive impairment with or without cerebellar ataxia (CIAT). Identifiers: MedGen C3280415, MONDO:0013680, OMIM 614306.
SCN8A-related disorder.

Submissions (3):

Genetics and Molecular Pathology, SA Pathology
Classification: Likely pathogenic for Cognitive impairment with or without cerebellar ataxia. Last evaluated: 2024-02-22. Review status: criteria provided, single submitter. Criteria: ACMG Guidelines, 2015. Collection method: clinical testing. Allele origin: germline. Affected: yes.

Blueprint Genetics
Classification: Likely pathogenic for SCN8A-related disorders. Last evaluated: 2023-01-31. Review status: criteria provided, single submitter. Criteria: ACMG Guidelines, 2015. Collection method: clinical testing. Allele origin: germline. Affected: yes. Observed: 1 variant allele.

Baylor Genetics
Classification: Uncertain significance for Cognitive impairment with or without cerebellar ataxia. Last evaluated: 2020-11-08. Review status: criteria provided, single submitter. Criteria: ACMG Guidelines, 2015. Collection method: clinical testing. Allele origin: unknown. Affected: yes.
Comment: This variant was determined to be of uncertain significance according to ACMG Guidelines, 2015 [PMID:25741868].

NM_001330260.2(SCN8A):c.614+1G>A

Gene: SCN8A (sodium voltage-gated channel alpha subunit 8; plus strand). Cytogenetic location: 12q13.13.
Variant type: single nucleotide variant.
Coding change: c.614+1G>A on transcript NM_001330260.2 (MANE Select); the canonical splice donor site of the intron after coding-DNA position 614, G replaced by A.
Molecular consequence: splice donor variant.
Genome position (GRCh38, 1-based): chr12:51,687,220, G>A. VCF-style: chr12-51687220-G-A. GRCh37 (hg19) VCF-style: chr12-52081004-G-A.
Other names: c.614+1G>A (NM_014191.4, NM_001177984.3, NM_001369788.1).
Identifiers: ClinVar variation 1029256 (VCV001029256.3), dbSNP rs1941433358, ClinGen allele CA385222888.